The following is an entry in ClinVar:

NM_007294.4(BRCA1):c.3442G>C (p.Glu1148Gln)

Genes: BRCA1 (BRCA1 DNA repair associated; minus strand), LOC126862571 (BRD4-independent group 4 enhancer GRCh37_chr17:41243136-41244335; plus strand). Cytogenetic location: 17q21.31.
Variant type: single nucleotide variant.
Coding change: c.3442G>C on transcript NM_007294.4 (MANE Select); coding-DNA position 3442, G replaced by C.
Protein change: p.Glu1148Gln; replaces glutamic acid 1148 with glutamine.
Molecular consequence: missense variant. On other transcripts: intron variant (135).
Genome position (GRCh38, 1-based): chr17:43,092,089, C>G on the plus strand (G>C on the coding strand, the complement: BRCA1 is on the minus strand). VCF-style: chr17-43092089-C-G. GRCh37 (hg19) VCF-style: chr17-41244106-C-G.
Other names: c.665-1057G>C (NM_001408428.1, NM_001408441.1, NM_001408437.1 and 12 more transcripts); c.671-1057G>C (NM_001408418.1, NM_001408423.1, NM_001408420.1 and 2 more transcripts); c.788-1057G>C (NM_001407981.1, NM_007298.4, NM_001407978.1 and 17 more transcripts); c.644-1057G>C (NM_001408462.1, NM_001408470.1, NM_001408464.1 and 3 more transcripts); c.710-1057G>C (NM_001408414.1, NM_001408411.1, NM_001408415.1 and 2 more transcripts); c.578-1057G>C (NM_001408514.1, NM_001408485.1, NM_001408483.1 and 9 more transcripts); c.662-1057G>C (NM_001408447.1, NM_001408433.1, NM_001408446.1 and 6 more transcripts); c.785-1057G>C (NM_001408400.1, NM_001408392.1, NM_001407986.1 and 13 more transcripts); and 41 more; short protein forms E1077Q, E1078Q, E1080Q, E1101Q, E1121Q, E1021Q, E1060Q, E1106Q.
Identifiers: ClinVar variation 5033160 (VCV005033160.1).

ClinVar aggregate classification (germline): Uncertain significance (1 of 4 stars; one submission).

Conditions:
Hereditary cancer-predisposing syndrome. Also called: Neoplastic Syndromes, Hereditary; Tumor predisposition; Hereditary neoplastic syndrome; Hereditary Cancer Syndrome. Identifiers: Orphanet 140162, MedGen C0027672, MeSH D009386, MONDO:0015356.

Submission:

Ambry Genetics
Classification: Uncertain significance for Hereditary cancer-predisposing syndrome. Last evaluated: 2026-06-23. Review status: criteria provided, single submitter. Criteria: Ambry Variant Classification Scheme 2023. Collection method: clinical testing. Allele origin: germline.
Comment: The p.E1148Q variant (also known as c.3442G>C), located in coding exon 9 of the BRCA1 gene, results from a G to C substitution at nucleotide position 3442. The glutamic acid at codon 1148 is replaced by glutamine, an amino acid with highly similar properties. This amino acid position is highly conserved in available vertebrate species. In addition, the in silico prediction for this alteration is inconclusive. Based on the available evidence, the clinical significance of this variant remains unclear.